The following is an entry in ClinVar:

NM_001367624.2(ZNF469):c.1667C>T (p.Pro556Leu)

Gene: ZNF469 (zinc finger protein 469; plus strand). Cytogenetic location: 16q24.2.
Variant type: single nucleotide variant.
Coding change: c.1667C>T on transcript NM_001367624.2 (MANE Select); coding-DNA position 1667, C replaced by T.
Protein change: p.Pro556Leu; replaces proline 556 with leucine.
Molecular consequence: missense variant.
Genome position (GRCh38, 1-based): chr16:88,429,137, C>T. VCF-style: chr16-88429137-C-T. GRCh37 (hg19) VCF-style: chr16-88495545-C-T.
Other names: NM_001127464.1:c.1667C>T; short protein forms P556L.
Identifiers: ClinVar variation 2174240 (VCV002174240.4), dbSNP rs1346875944, ClinGen allele CA397068034.
Genomic context (GRCh38, chr16:88,429,137, plus strand): 5'-CCGTGAGAAGCAGCCAGGGCGGCTCCCCAGCACTGTTCACCTACAACGGAATGACAGACC[C>T]TGGGGCTCAGCCCCTGTTCTTCGGGGTGGCCCAGCCCCAGGTTTCACCCCACGGGACACC-3'
Protein context (NP_001354553.1, residues 546-566): ALFTYNGMTD[Pro556Leu]GAQPLFFGVA

ClinVar aggregate classification (germline): Uncertain significance. Review status: criteria provided, multiple submitters, no conflicts (2 of 4 stars). 2 submissions from 2 submitters: Uncertain significance (2). Last evaluated 2025-04-14.

Conditions:
Cardiovascular phenotype. Identifiers: MedGen CN230736.

Allele frequency attached by ClinVar (database versions not stated): TOPMed 0.00002; gnomAD 0.00001; gnomAD exomes 0.00002.
gnomAD v4.1: 22 of 1,549,874 alleles (0.0014%); highest among the groups gnomAD compares: Non-Finnish European, 0.0019%; no homozygotes.

Submissions (2):

Ambry Genetics
Classification: Uncertain significance for Cardiovascular phenotype. Last evaluated: 2025-04-14. Review status: criteria provided, single submitter. Criteria: Ambry Variant Classification Scheme 2023. Collection method: clinical testing. Allele origin: germline.
Comment: The p.P556L variant (also known as c.1667C>T), located in coding exon 1 of the ZNF469 gene, results from a C to T substitution at nucleotide position 1667. The proline at codon 556 is replaced by leucine, an amino acid with similar properties. This amino acid position is conserved. In addition, this alteration is predicted to be tolerated by in silico analysis. Since supporting evidence is limited at this time, the clinical significance of this alteration remains unclear.

Labcorp Genetics (formerly Invitae), Labcorp
Classification: Uncertain significance. Last evaluated: 2022-05-27. Review status: criteria provided, single submitter. Criteria: Invitae Variant Classification Sherloc (09022015). Collection method: clinical testing. Allele origin: germline.
Comment: This sequence change replaces proline, which is neutral and non-polar, with leucine, which is neutral and non-polar, at codon 556 of the ZNF469 protein (p.Pro556Leu). This variant is present in population databases (no rsID available, gnomAD 0.005%). This variant has not been reported in the literature in individuals affected with ZNF469-related conditions. Algorithms developed to predict the effect of missense changes on protein structure and function are either unavailable or do not agree on the potential impact of this missense change (SIFT: "Deleterious"; PolyPhen-2: "Benign"; Align-GVGD: "Class C0"). In summary, the available evidence is currently insufficient to determine the role of this variant in disease. Therefore, it has been classified as a Variant of Uncertain Significance.